The following is an entry in ClinVar:

ClinVar aggregate classification (germline): Pathogenic (1 of 4 stars; one submission).

Conditions:
Familial cancer of breast. Also called: BREAST CANCER, FAMILIAL; hereditary breast carcinoma; Hereditary breast cancer. Identifiers: Orphanet 227535, MedGen C0346153, MONDO:0016419, OMIM 114480. Disease mechanism: loss of function.

Submission:

Myriad Genetics, Inc.
Classification: Pathogenic for Familial cancer of breast. Last evaluated: 2023-06-05. Review status: criteria provided, single submitter. Criteria: Myriad Autosomal Dominant, Autosomal Recessive and X-Linked Classification Criteria (2023). Collection method: clinical testing. Allele origin: unknown.
Comment: This variant is considered pathogenic. This variant creates a frameshift predicted to result in premature protein truncation.

NM_032043.3(BRIP1):c.1928del (p.Asn643fs)

Gene: BRIP1 (BRCA1 interacting DNA helicase 1; minus strand). Cytogenetic location: 17q23.2.
Variant type: Deletion.
Coding change: c.1928del on transcript NM_032043.3 (MANE Select); coding-DNA position 1928, one base deleted (A; older notation c.1928delA).
Protein change: p.Asn643fs; shifts the reading frame from asparagine 643.
Molecular consequence: frameshift variant.
Genome position (GRCh38, 1-based): chr17:61,780,268, T deleted on the plus strand (A on the coding strand, the reverse complement: BRIP1 is on the minus strand); the first of 5 consecutive T bases (chr17:61,780,268-61,780,272); deleting any one gives the same sequence. VCF-style (leftmost placement, unchanged base first): chr17-61780267-AT-A. GRCh37 (hg19) VCF-style: chr17-59857628-AT-A.
Other names: short protein forms N643fs.
Identifiers: ClinVar variation 2584233 (VCV002584233.2), dbSNP rs2545017339, ClinGen allele CA2582342270.